The following is an entry in ClinVar:

NM_012120.3(CD2AP):c.182C>T (p.Thr61Met)

Gene: CD2AP (CD2 associated protein; plus strand). Cytogenetic location: 6p12.3.
Variant type: single nucleotide variant.
Coding change: c.182C>T on transcript NM_012120.3 (MANE Select); coding-DNA position 182, C replaced by T.
Protein change: p.Thr61Met; replaces threonine 61 with methionine.
Molecular consequence: missense variant.
Genome position (GRCh38, 1-based): chr6:47,533,618, C>T. VCF-style: chr6-47533618-C-T. GRCh37 (hg19) VCF-style: chr6-47501354-C-T.
Other names: short protein forms T61M.
Identifiers: ClinVar variation 911542 (VCV000911542.16), dbSNP rs142628238, ClinGen allele CA3843917.

ClinVar aggregate classification (germline): Uncertain significance. Review status: criteria provided, multiple submitters, no conflicts (2 of 4 stars). 4 submissions from 4 submitters: Uncertain significance (4). Last evaluated 2025-12-29.

Conditions:
Inborn genetic diseases. Identifiers: MedGen C0950123, MeSH D030342.
Focal segmental glomerulosclerosis 3, susceptibility to (FSGS3). Identifiers: Orphanet 656, MedGen C1842982, MONDO:0011917, OMIM 607832.

Allele frequency attached by ClinVar (database versions not stated): gnomAD exomes 0.00003; ExAC 0.00004; gnomAD 0.00010 and 0.00011; TOPMed 0.00013; ESP Exome Variant Server 0.00023.
gnomAD v4.1: 56 of 1,613,552 alleles (0.0035%); highest among the groups gnomAD compares: African/African-American, 0.035%; no homozygotes.

Submissions (4):

Labcorp Genetics (formerly Invitae), Labcorp
Classification: Uncertain significance. Last evaluated: 2025-12-29. Review status: criteria provided, single submitter. Criteria: Invitae Variant Classification Sherloc (09022015). Collection method: clinical testing. Allele origin: germline.
Comment: This sequence change replaces threonine, which is neutral and polar, with methionine, which is neutral and non-polar, at codon 61 of the CD2AP protein (p.Thr61Met). This variant is present in population databases (rs142628238, gnomAD 0.05%). This variant has not been reported in the literature in individuals affected with CD2AP-related conditions. ClinVar contains an entry for this variant (Variation ID: 911542). Invitae Evidence Modeling of protein sequence and biophysical properties (such as structural, functional, and spatial information, amino acid conservation, physicochemical variation, residue mobility, and thermodynamic stability) indicates that this missense variant is not expected to disrupt CD2AP protein function with a negative predictive value of 80%. In summary, the available evidence is currently insufficient to determine the role of this variant in disease. Therefore, it has been classified as a Variant of Uncertain Significance.

Fulgent Genetics
Classification: Uncertain significance for Focal segmental glomerulosclerosis 3, susceptibility to. Last evaluated: 2024-05-20. Review status: criteria provided, single submitter. Criteria: ACMG Guidelines, 2015. Collection method: clinical testing. Allele origin: germline.

Ambry Genetics
Classification: Uncertain significance for Inborn genetic diseases. Last evaluated: 2022-11-10. Review status: criteria provided, single submitter. Criteria: Ambry Variant Classification Scheme 2023. Collection method: clinical testing. Allele origin: germline.

Illumina Laboratory Services, Illumina
Classification: Uncertain significance for Focal segmental glomerulosclerosis 3, susceptibility to. Last evaluated: 2017-04-27. Review status: criteria provided, single submitter. Criteria: ICSL Variant Classification Criteria 13 December 2019. Collection method: clinical testing. Allele origin: germline.